The following is an entry in ClinVar:

ClinVar aggregate classification (germline): Uncertain significance. Review status: criteria provided, multiple submitters, no conflicts (2 of 4 stars). 2 submissions from 2 submitters: Uncertain significance (2). Last evaluated 2025-08-29.

Conditions:
Inborn genetic diseases. Identifiers: MedGen C0950123, MeSH D030342.
Congenital myopathy with internal nuclei and atypical cores. Also called: Myopathy, centronuclear, 4. Identifiers: Orphanet 319160, MedGen C4707232, MONDO:0013890, OMIM 614807.

Allele frequency attached by ClinVar (database versions not stated): gnomAD 0.00001; gnomAD exomes 0.00001; TOPMed 0.00001.

Submissions (2):

Ambry Genetics
Classification: Uncertain significance for Inborn genetic diseases. Last evaluated: 2025-08-29. Review status: criteria provided, single submitter. Criteria: Ambry Variant Classification Scheme 2023. Collection method: clinical testing. Allele origin: germline.

Labcorp Genetics (formerly Invitae), Labcorp
Classification: Uncertain significance for Congenital myopathy with internal nuclei and atypical cores. Last evaluated: 2023-06-20. Review status: criteria provided, single submitter. Criteria: Invitae Variant Classification Sherloc (09022015). Collection method: clinical testing. Allele origin: germline.
Comment: This sequence change replaces glycine, which is neutral and non-polar, with arginine, which is basic and polar, at codon 356 of the CCDC78 protein (p.Gly356Arg). In summary, the available evidence is currently insufficient to determine the role of this variant in disease. Therefore, it has been classified as a Variant of Uncertain Significance. Advanced modeling of protein sequence and biophysical properties (such as structural, functional, and spatial information, amino acid conservation, physicochemical variation, residue mobility, and thermodynamic stability) performed at Invitae indicates that this missense variant is not expected to disrupt CCDC78 protein function. This variant has not been reported in the literature in individuals affected with CCDC78-related conditions. The frequency data for this variant in the population databases is considered unreliable, as metrics indicate poor data quality at this position in the gnomAD database.

NM_001378030.1(CCDC78):c.1066G>A (p.Gly356Arg)

Gene: CCDC78 (coiled-coil domain containing 78; minus strand). Cytogenetic location: 16p13.3.
Variant type: single nucleotide variant.
Coding change: c.1066G>A on transcript NM_001378030.1 (MANE Select); coding-DNA position 1066, G replaced by A.
Protein change: p.Gly356Arg; replaces glycine 356 with arginine.
Molecular consequence: missense variant. On other transcripts: non-coding transcript variant (5), intron variant (1).
Genome position (GRCh38, 1-based): chr16:723,924, C>T on the plus strand (G>A on the coding strand, the complement: CCDC78 is on the minus strand). VCF-style: chr16-723924-C-T. GRCh37 (hg19) VCF-style: chr16-773924-C-T.
Other names: c.1066G>A, p.Gly356Arg (NM_001031737.3); c.499G>A, p.Gly167Arg (NM_001378033.1); c.953+398G>A (NM_001378031.1); c.1066G>A (NM_001031737.2); short protein forms G356R, G167R.
Identifiers: ClinVar variation 2732524 (VCV002732524.4), dbSNP rs1037367865, ClinGen allele CA276519715.